The following is an entry in ClinVar:

NM_001378030.1(CCDC78):c.549G>A (p.Leu183=)

Gene: CCDC78 (coiled-coil domain containing 78; minus strand). Cytogenetic location: 16p13.3.
Variant type: single nucleotide variant.
Coding change: c.549G>A on transcript NM_001378030.1 (MANE Select); coding-DNA position 549, G replaced by A.
Protein change: p.Leu183=; no amino-acid change (leucine 183 retained).
Molecular consequence: synonymous variant. On other transcripts: missense variant (1), non-coding transcript variant (5).
Genome position (GRCh38, 1-based): chr16:725,089, C>T on the plus strand (G>A on the coding strand, the complement: CCDC78 is on the minus strand). VCF-style: chr16-725089-C-T. GRCh37 (hg19) VCF-style: chr16-775089-C-T.
Other names: c.549G>A, p.Leu183= (NM_001031737.3, NM_001378031.1); c.187G>A, p.Gly63Ser (NM_001378033.1); short protein forms G63S.
Identifiers: ClinVar variation 128629 (VCV000128629.20), dbSNP rs8055909, ClinGen allele CA152206.

ClinVar aggregate classification (germline): Benign. Review status: criteria provided, multiple submitters, no conflicts (2 of 4 stars). 6 submissions from 6 submitters: Benign (5). 1 of the submissions does not count toward it. Last evaluated 2026-02-03.

Conditions:
Congenital myopathy with internal nuclei and atypical cores. Also called: Myopathy, centronuclear, 4. Identifiers: Orphanet 319160, MedGen C4707232, MONDO:0013890, OMIM 614807.

Allele frequency attached by ClinVar (database versions not stated): gnomAD exomes 0.00324 and 0.00883; ExAC 0.01115; gnomAD 0.03323 and 0.03578; ESP Exome Variant Server 0.03779; 1000 Genomes Project 0.03854; TOPMed 0.03733; 1000 Genomes Project 30x 0.04091.

Submissions (6):

Labcorp Genetics (formerly Invitae), Labcorp
Classification: Benign for Congenital myopathy with internal nuclei and atypical cores. Last evaluated: 2026-02-03. Review status: criteria provided, single submitter. Criteria: Invitae Variant Classification Sherloc (09022015). Collection method: clinical testing. Allele origin: germline.

Athena Diagnostics
Classification: Benign. Last evaluated: 2023-10-16. Review status: criteria provided, single submitter. Criteria: Athena Diagnostics Criteria. Collection method: clinical testing. Allele origin: unknown.

GeneDx
Classification: Benign. Last evaluated: 2018-08-03. Review status: criteria provided, single submitter. Criteria: GeneDx Variant Classification Process June 2021. Collection method: clinical testing. Allele origin: germline. Affected: yes.

Breakthrough Genomics
Classification: Benign. Review status: criteria provided, single submitter. Criteria: ACMG Guidelines, 2015. Collection method: not provided. Allele origin: germline. Inheritance: Autosomal dominant inheritance. Affected: yes.

PreventionGenetics, part of Exact Sciences
Classification: Benign. Review status: criteria provided, single submitter. Criteria: ACMG Guidelines, 2015. Collection method: clinical testing. Allele origin: germline.

Genetic Services Laboratory, University of Chicago
Classification: Likely benign for AllHighlyPenetrant. Review status: no assertion criteria provided. Collection method: clinical testing. Allele origin: germline. Inheritance: Autosomal dominant inheritance. Not counted in ClinVar's aggregate classification.
Comment: Likely benign based on allele frequency in 1000 Genomes Project or ESP global frequency and its presence in a patient with a rare or unrelated disease phenotype. NOT Sanger confirmed.